The following is an entry in ClinVar:

NM_172107.4(KCNQ2):c.864G>C (p.Trp288Cys)

Gene: KCNQ2 (potassium voltage-gated channel subfamily Q member 2; minus strand). Cytogenetic location: 20q13.33.
Variant type: single nucleotide variant.
Coding change: c.864G>C on transcript NM_172107.4 (MANE Select); coding-DNA position 864, G replaced by C.
Protein change: p.Trp288Cys; replaces tryptophan 288 with cysteine.
Molecular consequence: missense variant.
Genome position (GRCh38, 1-based): chr20:63,439,661, C>G on the plus strand (G>C on the coding strand, the complement: KCNQ2 is on the minus strand). VCF-style: chr20-63439661-C-G. GRCh37 (hg19) VCF-style: chr20-62071014-C-G.
Other names: c.864G>C, p.Trp288Cys (NM_004518.6, NM_172106.3, NM_172108.5 and 1 more transcripts); short protein forms W288C.
Identifiers: ClinVar variation 838229 (VCV000838229.10), dbSNP rs2081100544, ClinGen allele CA409652625.

ClinVar aggregate classification (germline): Uncertain significance (1 of 4 stars; one submission).

Conditions:
Early-infantile DEE. Also called: Ohtahara syndrome; Early infantile epileptic encephalopathy with suppression bursts; Early infantile epileptic encephalopathy. Identifiers: Orphanet 1934, MedGen C0393706, MONDO:0800491.

Submission:

Labcorp Genetics (formerly Invitae), Labcorp
Classification: Uncertain significance for Early-infantile DEE. Last evaluated: 2019-05-02. Review status: criteria provided, single submitter. Criteria: Invitae Variant Classification Sherloc (09022015). Collection method: clinical testing. Allele origin: germline.
Comment: In summary, the available evidence is currently insufficient to determine the role of this variant in disease. Therefore, it has been classified as a Variant of Uncertain Significance. Algorithms developed to predict the effect of missense changes on protein structure and function (SIFT, PolyPhen-2, Align-GVGD) all suggest that this variant is likely to be disruptive, but these predictions have not been confirmed by published functional studies and their clinical significance is uncertain. This variant has not been reported in the literature in individuals with KCNQ2-related conditions. This variant is not present in population databases (ExAC no frequency). This sequence change replaces tryptophan with cysteine at codon 288 of the KCNQ2 protein (p.Trp288Cys). The tryptophan residue is highly conserved and there is a large physicochemical difference between tryptophan and cysteine.